The following is an entry in ClinVar:

NM_005732.4(RAD50):c.2224T>A (p.Leu742Met)

Gene: RAD50 (RAD50 double strand break repair protein; plus strand). Cytogenetic location: 5q31.1.
Variant type: single nucleotide variant.
Coding change: c.2224T>A on transcript NM_005732.4 (MANE Select); coding-DNA position 2224, T replaced by A.
Protein change: p.Leu742Met; replaces leucine 742 with methionine.
Molecular consequence: missense variant.
Genome position (GRCh38, 1-based): chr5:132,603,316, T>A. VCF-style: chr5-132603316-T-A. GRCh37 (hg19) VCF-style: chr5-131939008-T-A.
Other names: short protein forms L742M.
Identifiers: ClinVar variation 231880 (VCV000231880.5), dbSNP rs876659423, ClinGen allele CA10578556.
Genomic context (GRCh38, chr5:132,603,316, plus strand): 5'-GAGAAACATCAGATACTTTATTTTTAATTGTGTTTTCTATTTAGGCAAAGCATAATTGAT[T>A]TGAAGGAGAAGGAAATACCAGAATTAAGAAACAAACTGCAGAATGTCAATAGAGACATAC-3'
Protein context (NP_005723.2, residues 732-752): LVPMRQSIID[Leu742Met]KEKEIPELRN

ClinVar aggregate classification (germline): Uncertain significance (1 of 4 stars; one submission).

Conditions:
Hereditary cancer-predisposing syndrome. Also called: Neoplastic Syndromes, Hereditary; Tumor predisposition; Hereditary Cancer Syndrome; Hereditary neoplastic syndrome. Identifiers: Orphanet 140162, MedGen C0027672, MeSH D009386, MONDO:0015356.

Submission:

Ambry Genetics
Classification: Uncertain significance for Hereditary cancer-predisposing syndrome. Last evaluated: 2015-05-16. Review status: criteria provided, single submitter. Criteria: Ambry Variant Classification Scheme 2023. Collection method: clinical testing. Allele origin: germline.
Comment: The p.L742M variant (also known as c.2224T>A), located in coding exon 14 of the RAD50 gene, results from a T to A substitution at nucleotide position 2224. The leucine at codon 742 is replaced by methionine, an amino acid with highly similar properties. This variant was not reported in population based cohorts in the following databases: Database of Single Nucleotide Polymorphisms (dbSNP), NHLBI Exome Sequencing Project (ESP), and 1000 Genomes Project. In the ESP, this variant was not observed in 6503 samples (13006 alleles) with coverage at this position. To date, this alteration has been detected with an allele frequency of approximately 0.002% (greater than 65000 alleles tested) in our clinical cohort. This amino acid position is well conserved in available vertebrate species. In addition, this alteration is predicted to be tolerated by in silico analysis. Since supporting evidence is limited at this time, the clinical significance of this variant remains unclear.